The following is an entry in ClinVar:

NM_000191.3(HMGCL):c.386C>G (p.Ala129Gly)

Gene: HMGCL (3-hydroxy-3-methylglutaryl-CoA lyase; minus strand). Cytogenetic location: 1p36.11.
Variant type: single nucleotide variant.
Coding change: c.386C>G on transcript NM_000191.3 (MANE Select); coding-DNA position 386, C replaced by G.
Protein change: p.Ala129Gly; replaces alanine 129 with glycine.
Molecular consequence: missense variant. On other transcripts: intron variant (1).
Genome position (GRCh38, 1-based): chr1:23,814,301, G>C on the plus strand (C>G on the coding strand, the complement: HMGCL is on the minus strand). VCF-style: chr1-23814301-G-C. GRCh37 (hg19) VCF-style: chr1-24140791-G-C.
Other names: c.348+2374C>G (NM_001166059.2); short protein forms A129G.
Identifiers: ClinVar variation 1058927 (VCV001058927.7), dbSNP rs1244160232, ClinGen allele CA339027609.

ClinVar aggregate classification (germline): Uncertain significance (1 of 4 stars; one submission).

Conditions:
Deficiency of hydroxymethylglutaryl-CoA lyase (HMGCLD). Also called: HMGCL DEFICIENCY; HYDROXYMETHYLGLUTARIC ACIDURIA; HMG-CoA LYASE DEFICIENCY; Defect in leucine metabolism; 3-hydroxy-3-methylglutaric aciduria. Identifiers: Orphanet 20, MedGen C1533587, MONDO:0009520, OMIM 246450.

Submission:

Labcorp Genetics (formerly Invitae), Labcorp
Classification: Uncertain significance for Deficiency of hydroxymethylglutaryl-CoA lyase. Last evaluated: 2023-11-27. Review status: criteria provided, single submitter. Criteria: Invitae Variant Classification Sherloc (09022015). Collection method: clinical testing. Allele origin: germline.
Comment: This sequence change replaces alanine, which is neutral and non-polar, with glycine, which is neutral and non-polar, at codon 129 of the HMGCL protein (p.Ala129Gly). This variant is not present in population databases (gnomAD no frequency). This variant has not been reported in the literature in individuals affected with HMGCL-related conditions. ClinVar contains an entry for this variant (Variation ID: 1058927). Advanced modeling of protein sequence and biophysical properties (such as structural, functional, and spatial information, amino acid conservation, physicochemical variation, residue mobility, and thermodynamic stability) performed at Invitae indicates that this missense variant is not expected to disrupt HMGCL protein function with a negative predictive value of 80%. In summary, the available evidence is currently insufficient to determine the role of this variant in disease. Therefore, it has been classified as a Variant of Uncertain Significance.